The following is an entry in ClinVar:

NM_001042545.2(LTBP4):c.1354G>C (p.Asp452His)

Gene: LTBP4 (latent transforming growth factor beta binding protein 4; plus strand). Cytogenetic location: 19q13.2.
Variant type: single nucleotide variant.
Coding change: c.1354G>C on transcript NM_001042545.2 (MANE Select); coding-DNA position 1354, G replaced by C.
Protein change: p.Asp452His; replaces aspartic acid 452 with histidine.
Molecular consequence: missense variant.
Genome position (GRCh38, 1-based): chr19:40,608,531, G>C. VCF-style: chr19-40608531-G-C. GRCh37 (hg19) VCF-style: chr19-41114437-G-C.
Other names: c.1555G>C, p.Asp519His (NM_001042544.1); c.1444G>C, p.Asp482His (NM_003573.2); short protein forms D452H, D482H, D519H.
Identifiers: ClinVar variation 1523481 (VCV001523481.8), dbSNP rs373835441, ClinGen allele CA308449819.

ClinVar aggregate classification (germline): Uncertain significance. Review status: criteria provided, multiple submitters, no conflicts (2 of 4 stars). 3 submissions from 3 submitters: Uncertain significance (3). Last evaluated 2026-04-07.

Conditions:
Inborn genetic diseases. Identifiers: MedGen C0950123, MeSH D030342.

gnomAD v4.1: 3 of 1,605,440 alleles (0.00019%); highest among the groups gnomAD compares: Non-Finnish European, 0.00025%; no homozygotes.

Submissions (3):

GeneDx
Classification: Uncertain significance. Last evaluated: 2026-04-07. Review status: criteria provided, single submitter. Criteria: GeneDx Variant Classification Process June 2021. Collection method: clinical testing. Allele origin: germline.
Comment: Not observed at significant frequency in large population cohorts (gnomAD); In silico analysis suggests that this missense variant does not alter protein structure/function; Has not been previously published as pathogenic or benign to our knowledge

Ambry Genetics
Classification: Uncertain significance for Inborn genetic diseases. Last evaluated: 2025-02-28. Review status: criteria provided, single submitter. Criteria: Ambry Variant Classification Scheme 2023. Collection method: clinical testing. Allele origin: germline.

Labcorp Genetics (formerly Invitae), Labcorp
Classification: Uncertain significance. Last evaluated: 2024-02-19. Review status: criteria provided, single submitter. Criteria: Invitae Variant Classification Sherloc (09022015). Collection method: clinical testing. Allele origin: germline.
Comment: This sequence change replaces aspartic acid, which is acidic and polar, with histidine, which is basic and polar, at codon 482 of the LTBP4 protein (p.Asp482His). This variant is not present in population databases (gnomAD no frequency). This variant has not been reported in the literature in individuals affected with LTBP4-related conditions. ClinVar contains an entry for this variant (Variation ID: 1523481). Experimental studies and prediction algorithms are not available or were not evaluated, and the functional significance of this variant is currently unknown. Algorithms developed to predict the effect of sequence changes on RNA splicing suggest that this variant may disrupt the consensus splice site. In summary, the available evidence is currently insufficient to determine the role of this variant in disease. Therefore, it has been classified as a Variant of Uncertain Significance.